The following is an entry in ClinVar:

NM_001008537.3(NEXMIF):c.3612C>G (p.Asn1204Lys)

Gene: NEXMIF (neurite extension and migration factor; minus strand). Cytogenetic location: Xq13.3.
Variant type: single nucleotide variant.
Coding change: c.3612C>G on transcript NM_001008537.3 (MANE Select); coding-DNA position 3612, C replaced by G.
Protein change: p.Asn1204Lys; replaces asparagine 1204 with lysine.
Molecular consequence: missense variant.
Genome position (GRCh38, 1-based): chrX:74,740,945, G>C on the plus strand (C>G on the coding strand, the complement: NEXMIF is on the minus strand). VCF-style: chrX-74740945-G-C. GRCh37 (hg19) VCF-style: chrX-73960780-G-C.
Other names: short protein forms N1204K.
Identifiers: ClinVar variation 2058483 (VCV002058483.4), dbSNP rs781687557, ClinGen allele CA413665227.

ClinVar aggregate classification (germline): Uncertain significance (1 of 4 stars; one submission).

Submission:

Labcorp Genetics (formerly Invitae), Labcorp
Classification: Uncertain significance. Last evaluated: 2022-03-26. Review status: criteria provided, single submitter. Criteria: Invitae Variant Classification Sherloc (09022015). Collection method: clinical testing. Allele origin: germline.
Comment: In summary, the available evidence is currently insufficient to determine the role of this variant in disease. Therefore, it has been classified as a Variant of Uncertain Significance. Algorithms developed to predict the effect of sequence changes on RNA splicing suggest that this variant may create or strengthen a splice site. Algorithms developed to predict the effect of missense changes on protein structure and function are either unavailable or do not agree on the potential impact of this missense change (SIFT: "Deleterious"; PolyPhen-2: "Benign"; Align-GVGD: "Class C0"). This variant has not been reported in the literature in individuals affected with NEXMIF-related conditions. This variant is not present in population databases (gnomAD no frequency). This sequence change replaces asparagine, which is neutral and polar, with lysine, which is basic and polar, at codon 1204 of the NEXMIF protein (p.Asn1204Lys).